The following is an entry in ClinVar:

NC_000007.13:g.(?_116380991)_(116385169_?)del

Gene: MET (MET proto-oncogene, receptor tyrosine kinase; plus strand). Cytogenetic location: 7q31.2.
Variant type: Deletion.
Identifiers: ClinVar variation 3245627 (VCV003245627.1).

ClinVar aggregate classification (germline): Uncertain significance (1 of 4 stars; one submission).

Conditions:
Renal cell carcinoma (RCCP1). Identifiers: Orphanet 217071, MedGen C0007134, MeSH D002292, MONDO:0005086, HP:0005584.

Submission:

Labcorp Genetics (formerly Invitae), Labcorp
Classification: Uncertain significance for Renal cell carcinoma. Last evaluated: 2023-10-08. Review status: criteria provided, single submitter. Criteria: Invitae Variant Classification Sherloc (09022015). Collection method: clinical testing. Allele origin: unknown.
Comment: This variant results in the deletion of part of exon 5 (c.1613_1701+4090del) of the MET gene. It is expected to disrupt RNA splicing. Variants that disrupt the donor or acceptor splice site typically lead to a loss of protein function (PMID: 16199547), however the current clinical and genetic evidence is not sufficient to establish whether loss-of-function variants in MET cause disease. This variant has not been reported in the literature in individuals affected with MET-related conditions. In summary, the available evidence is currently insufficient to determine the role of this variant in disease. Therefore, it has been classified as a Variant of Uncertain Significance.

Literature cited by the submitters: PubMed 16199547.